The following is an entry in ClinVar:

NM_001122764.3(PPOX):c.263G>T (p.Arg88Leu)

Gene: PPOX (protoporphyrinogen oxidase; plus strand). Cytogenetic location: 1q23.3.
Variant type: single nucleotide variant.
Coding change: c.263G>T on transcript NM_001122764.3 (MANE Select); coding-DNA position 263, G replaced by T.
Protein change: p.Arg88Leu; replaces arginine 88 with leucine.
Molecular consequence: missense variant. On other transcripts: 5 prime UTR variant (3), intron variant (2).
Genome position (GRCh38, 1-based): chr1:161,167,411, G>T. VCF-style: chr1-161167411-G-T. GRCh37 (hg19) VCF-style: chr1-161137201-G-T.
Other names: c.263G>T, p.Arg88Leu (NM_000309.5, NM_001365398.1, NM_001365399.1); c.278G>T, p.Arg93Leu (NM_001350128.2); c.-165G>T (NM_001350129.2); c.-224G>T (NM_001350130.2); c.-110G>T (NM_001350131.2); c.-90+177G>T (NM_001365400.1); c.-149+177G>T (NM_001365401.1); short protein forms R88L, R93L.
Identifiers: ClinVar variation 1305894 (VCV001305894.2), dbSNP rs943768360, ClinGen allele CA31632635.
Genomic context (GRCh38, chr1:161,167,411, plus strand): 5'-TGAGGGCATGTGGAGAGCAGGTTTCTGAGCTTGGCTTGGATTCAGAAGTGCTGCCTGTCC[G>T]GGGAGACCACCCAGCTGCCCAGAACAGGTTCCTCTACGTGGGCGGTGCCCTGCATGCCCT-3'
Protein context (NP_001116236.1, residues 78-98): LGLDSEVLPV[Arg88Leu]GDHPAAQNRF

ClinVar aggregate classification (germline): Uncertain significance (1 of 4 stars; one submission).

Allele frequency attached by ClinVar (database versions not stated): gnomAD exomes below 0.00001 and 0.00002; gnomAD 0.00001; TOPMed 0.00001.
gnomAD v4.1: 32 of 1,613,730 alleles (0.002%); highest among the groups gnomAD compares: Non-Finnish European, 0.0025%; no homozygotes.

Submission:

GeneDx
Classification: Uncertain significance. Last evaluated: 2019-03-01. Review status: criteria provided, single submitter. Criteria: GeneDx Variant Classification Process June 2021. Collection method: clinical testing. Allele origin: germline. Affected: yes.
Comment: Not observed at a significant frequency in large population cohorts (Lek et al., 2016); In silico analysis, which includes protein predictors and evolutionary conservation, supports that this variant does not alter protein structure/function; Has not been previously published as pathogenic or benign to our knowledge